The following is an entry in ClinVar:

ClinVar aggregate classification (germline): Uncertain significance (1 of 4 stars; one submission).

Conditions:
Glycine encephalopathy. Also called: Nonketotic hyperglycinemia; Non-ketotic hyperglycinemia. Identifiers: Orphanet 407, MedGen C0751748, MONDO:0011612, HP:0008288.

Submission:

Labcorp Genetics (formerly Invitae), Labcorp
Classification: Uncertain significance for Glycine encephalopathy. Last evaluated: 2024-01-09. Review status: criteria provided, single submitter. Criteria: Invitae Variant Classification Sherloc (09022015). Collection method: clinical testing. Allele origin: germline.
Comment: This sequence change replaces glutamine, which is neutral and polar, with arginine, which is basic and polar, at codon 610 of the GLDC protein (p.Gln610Arg). This variant is not present in population databases (gnomAD no frequency). This variant has not been reported in the literature in individuals affected with GLDC-related conditions. Advanced modeling of protein sequence and biophysical properties (such as structural, functional, and spatial information, amino acid conservation, physicochemical variation, residue mobility, and thermodynamic stability) performed at Invitae indicates that this missense variant is not expected to disrupt GLDC protein function with a negative predictive value of 80%. In summary, the available evidence is currently insufficient to determine the role of this variant in disease. Therefore, it has been classified as a Variant of Uncertain Significance.

NM_000170.3(GLDC):c.1829A>G (p.Gln610Arg)

Gene: GLDC (glycine decarboxylase; minus strand). Cytogenetic location: 9p24.1.
Variant type: single nucleotide variant.
Coding change: c.1829A>G on transcript NM_000170.3 (MANE Select); coding-DNA position 1829, A replaced by G.
Protein change: p.Gln610Arg; replaces glutamine 610 with arginine.
Molecular consequence: missense variant.
Genome position (GRCh38, 1-based): chr9:6,587,162, T>C on the plus strand (A>G on the coding strand, the complement: GLDC is on the minus strand). VCF-style: chr9-6587162-T-C. GRCh37 (hg19) VCF-style: chr9-6587162-T-C.
Other names: short protein forms Q610R.
Identifiers: ClinVar variation 3006240 (VCV003006240.1), dbSNP rs2489076672, ClinGen allele CA372891224.
Genomic context (GRCh38, chr9:6,587,162, plus strand): 5'-AATAGATTGCTGAAACAATAAGAAAAGAAATGCCCTTACCTGTTTGGCTGGAAACAGACC[T>C]GGTCATAACCTGTGAGTTCACACAAATCCTTCTCAAGCTCTCGGAAAAGCTGCTGATATC-3'
Protein context (NP_000161.2, residues 600-620): KDLCELTGYD[Gln610Arg]VCFQPNSGAQ